The following is an entry in ClinVar:

ClinVar aggregate classification (germline): Uncertain significance (1 of 4 stars; one submission).

Conditions:
Xeroderma pigmentosum, group F (XPF). Also called: ERCC4-Related Xeroderma Pigmentosum; XERODERMA PIGMENTOSUM VI; XP, GROUP F; XERODERMA PIGMENTOSUM, TYPE F; Xeroderma pigmentosum, type 6; XERODERMA PIGMENTOSUM, COMPLEMENTATION GROUP F. Identifiers: MedGen C0268140, MONDO:0010215, OMIM 278760.
Fanconi anemia complementation group Q. Identifiers: Orphanet 84, MedGen C3808988, MONDO:0014108, OMIM 615272.
Cockayne syndrome. Identifiers: Orphanet 191, MedGen C0009207, MONDO:0016006.

Allele frequency attached by ClinVar (database versions not stated): gnomAD exomes 0.00001.
gnomAD v4.1: 5 of 1,611,786 alleles (0.00031%); highest among the groups gnomAD compares: East Asian, 0.0089%; no homozygotes.

Submission:

Labcorp Genetics (formerly Invitae), Labcorp
Classification: Uncertain significance for Fanconi anemia complementation group Q; Xeroderma pigmentosum, group F; Cockayne syndrome. Last evaluated: 2024-07-19. Review status: criteria provided, single submitter. Criteria: Invitae Variant Classification Sherloc (09022015). Collection method: clinical testing. Allele origin: germline.
Comment: This sequence change replaces threonine, which is neutral and polar, with isoleucine, which is neutral and non-polar, at codon 265 of the ERCC4 protein (p.Thr265Ile). This variant is present in population databases (no rsID available, gnomAD 0.006%). This variant has not been reported in the literature in individuals affected with ERCC4-related conditions. ClinVar contains an entry for this variant (Variation ID: 1462492). An algorithm developed to predict the effect of missense changes on protein structure and function (PolyPhen-2) suggests that this variant is likely to be tolerated. In summary, the available evidence is currently insufficient to determine the role of this variant in disease. Therefore, it has been classified as a Variant of Uncertain Significance.

NM_005236.3(ERCC4):c.794C>T (p.Thr265Ile)

Gene: ERCC4 (ERCC excision repair 4, endonuclease catalytic subunit; plus strand). Cytogenetic location: 16p13.12.
Variant type: single nucleotide variant.
Coding change: c.794C>T on transcript NM_005236.3 (MANE Select); coding-DNA position 794, C replaced by T.
Protein change: p.Thr265Ile; replaces threonine 265 with isoleucine.
Molecular consequence: missense variant.
Genome position (GRCh38, 1-based): chr16:13,930,711, C>T. VCF-style: chr16-13930711-C-T. GRCh37 (hg19) VCF-style: chr16-14024568-C-T.
Other names: short protein forms T265I.
Identifiers: ClinVar variation 1462492 (VCV001462492.8), dbSNP rs1265753536, ClinGen allele CA394803738.